The following is an entry in ClinVar:

ClinVar aggregate classification (germline): Uncertain significance (1 of 4 stars; one submission).

Submission:

GeneDx
Classification: Uncertain significance. Last evaluated: 2025-02-18. Review status: criteria provided, single submitter. Criteria: GeneDx Variant Classification Process June 2021. Collection method: clinical testing. Allele origin: germline. Affected: yes.
Comment: Not observed at significant frequency in large population cohorts (gnomAD); In silico analysis supports that this missense variant has a deleterious effect on protein structure/function; Has not been previously published as pathogenic or benign to our knowledge

NM_003638.3(ITGA8):c.658G>T (p.Gly220Trp)

Gene: ITGA8 (integrin subunit alpha 8; minus strand). Cytogenetic location: 10p13.
Variant type: single nucleotide variant.
Coding change: c.658G>T on transcript NM_003638.3 (MANE Select); coding-DNA position 658, G replaced by T.
Protein change: p.Gly220Trp; replaces glycine 220 with tryptophan.
Molecular consequence: missense variant.
Genome position (GRCh38, 1-based): chr10:15,677,610, C>A on the plus strand (G>T on the coding strand, the complement: ITGA8 is on the minus strand). VCF-style: chr10-15677610-C-A. GRCh37 (hg19) VCF-style: chr10-15719609-C-A.
Other names: c.658G>T, p.Gly220Trp (NM_001291494.2); short protein forms G220W.
Identifiers: ClinVar variation 4076766 (VCV004076766.1).